The following is an entry in ClinVar:

NM_005732.4(RAD50):c.3488T>G (p.Ile1163Arg)

Genes: RAD50 (RAD50 double strand break repair protein; plus strand), TH2-LCR (Th2 cytokine locus control region; plus strand), TH2LCRR (T helper type 2 locus control region associated RNA; minus strand). Cytogenetic location: 5q31.1.
Variant type: single nucleotide variant.
Coding change: c.3488T>G on transcript NM_005732.4 (MANE Select); coding-DNA position 3488, T replaced by G.
Protein change: p.Ile1163Arg; replaces isoleucine 1163 with arginine.
Molecular consequence: missense variant. On other transcripts: non-coding transcript variant (2).
Genome position (GRCh38, 1-based): chr5:132,638,093, T>G. VCF-style: chr5-132638093-T-G. GRCh37 (hg19) VCF-style: chr5-131973785-T-G.
Other names: short protein forms I1163R.
Identifiers: ClinVar variation 4678284 (VCV004678284.1).
Genomic context (GRCh38, chr5:132,638,093, plus strand): 5'-AGGCTACAGAGCATAGGTTCCTCTAAAATATTCTTCTTCCTGTGTCAGATATTGAATACA[T>G]AGAAATACGGTCTGATGCCGATGAAAATGTATCAGCTTCTGATAAAAGGCGGAATTATAA-3'
Protein context (NP_005723.2, residues 1153-1173): STYRGQDIEY[Ile1163Arg]EIRSDADENV

ClinVar aggregate classification (germline): Uncertain significance (1 of 4 stars; one submission).

Conditions:
Hereditary cancer-predisposing syndrome. Also called: Neoplastic Syndromes, Hereditary; Tumor predisposition; Hereditary Cancer Syndrome; Hereditary neoplastic syndrome. Identifiers: Orphanet 140162, MedGen C0027672, MeSH D009386, MONDO:0015356.

Submission:

Ambry Genetics
Classification: Uncertain significance for Hereditary cancer-predisposing syndrome. Last evaluated: 2025-12-12. Review status: criteria provided, single submitter. Criteria: Ambry Variant Classification Scheme 2023. Collection method: clinical testing. Allele origin: germline.
Comment: The p.I1163R variant (also known as c.3488T>G), located in coding exon 23 of the RAD50 gene, results from a T to G substitution at nucleotide position 3488. The isoleucine at codon 1163 is replaced by arginine, an amino acid with similar properties. This amino acid position is conserved. In addition, this alteration is predicted to be deleterious by in silico analysis. Based on the available evidence, the clinical significance of this variant remains unclear.